The following is an entry in ClinVar:

ClinVar aggregate classification (germline): Uncertain significance. Review status: criteria provided, multiple submitters, no conflicts (2 of 4 stars). 3 submissions from 3 submitters: Uncertain significance (3). Last evaluated 2025-02-12.

Conditions:
Pfeiffer syndrome (ACS5). Also called: ACS V. Identifiers: Orphanet 710, MedGen C0220658, MONDO:0007043, OMIM 101600.
Hartsfield-Bixler-Demyer syndrome (HRTFDS). Also called: Holoprosencephaly, ectrodactyly, and bilateral cleft lip/palate; Hartsfield syndrome; FGFR1-Related Hartsfield Syndrome. Identifiers: Orphanet 2117, MedGen C1845146, MONDO:0014196, OMIM 615465. Disease mechanism: loss of function.
Trigonocephaly 1 (TRIGNO1). Identifiers: Orphanet 3366, MedGen C0432122, MONDO:0008603, OMIM 190440.
Hypogonadotropic hypogonadism 2 with or without anosmia (HH2). Also called: HYPOGONADOTROPIC HYPOGONADISM 2 WITHOUT ANOSMIA; HYPOGONADOTROPIC HYPOGONADISM 2 WITH OR WITHOUT ANOSMIA, SUSCEPTIBILITY TO; HYPOGONADOTROPIC HYPOGONADISM 2 WITHOUT ANOSMIA, SUSCEPTIBILITY TO; FGFR1-Related GnRH Deficiency (Kallmann Syndrome 2). Identifiers: Orphanet 478, MedGen C1563720, MONDO:0007844, OMIM 147950. Disease mechanism: loss of function.
Jackson-Weiss syndrome (JWS). Also called: CRANIOSYNOSTOSIS, MIDFACIAL HYPOPLASIA, AND FOOT ABNORMALITIES. Identifiers: Orphanet 1540, MedGen C0795998, MONDO:0007400, OMIM 123150. Disease mechanism: loss of function.
Osteoglophonic dysplasia (OGD). Also called: Osteoglophonic dwarfism. Identifiers: Orphanet 2645, MedGen C0432283, MONDO:0008150, OMIM 166250.
Encephalocraniocutaneous lipomatosis (ECCL). Identifiers: Orphanet 2396, MedGen C0406612, MONDO:0013074, OMIM 613001.

Allele frequency attached by ClinVar (database versions not stated): TOPMed below 0.00001; gnomAD 0.00001; gnomAD exomes 0.00001 and 0.00002; ExAC 0.00002.
gnomAD v4.1: 21 of 1,614,140 alleles (0.0013%); highest among the groups gnomAD compares: Middle Eastern, 0.016%; no homozygotes.

Submissions (3):

Labcorp Genetics (formerly Invitae), Labcorp
Classification: Uncertain significance for Pfeiffer syndrome; Hypogonadotropic hypogonadism 2 with or without anosmia. Last evaluated: 2025-02-12. Review status: criteria provided, single submitter. Criteria: Invitae Variant Classification Sherloc (09022015). Collection method: clinical testing. Allele origin: germline.
Comment: This sequence change replaces lysine, which is basic and polar, with arginine, which is basic and polar, at codon 195 of the FGFR1 protein (p.Lys195Arg). This variant is present in population databases (rs770139002, gnomAD 0.009%). This missense change has been observed in individual(s) with hypogonadotropic hypogonadism (PMID: 36531499). ClinVar contains an entry for this variant (Variation ID: 1044770). Invitae Evidence Modeling of protein sequence and biophysical properties (such as structural, functional, and spatial information, amino acid conservation, physicochemical variation, residue mobility, and thermodynamic stability) indicates that this missense variant is not expected to disrupt FGFR1 protein function with a negative predictive value of 80%. In summary, the available evidence is currently insufficient to determine the role of this variant in disease. Therefore, it has been classified as a Variant of Uncertain Significance.

Clinical Genomics Laboratory, Washington University in St. Louis
Classification: Uncertain significance for Pfeiffer syndrome. Last evaluated: 2025-01-23. Review status: criteria provided, single submitter. Criteria: ACMG Guidelines, 2015. Collection method: clinical testing. Allele origin: germline.
Comment: An FGFR1 c.584A>G (p.Lys195Arg) variant was identified at a near heterozygous allelic fraction of 48.1%, a frequency which may be consistent with it being of germline origin. This variant has been identified in the germline state in one patient with a myeloid neoplasm (Li ST et al., PMID: 31911633) and in one case in the cancer database COSMIC (Genomic ID: COSV100247854). This variant has been reported as a germline variant of uncertain significance by two submitters in the ClinVar database (Variation ID: 1044770). This variant is observed on 21/1,614,140 alleles in the general population (gnomAD v4.1.0), indicating it is not a common variant. Computational predictors suggest that the variant does not impact FGFR1 function. Due to limited information, and based on ACMG/AMP guidelines for variant interpretation (Richards S et al., PMID: 25741868), the clinical significance of the FGFR1 c.584A>G (p.Lys195Arg) variant is uncertain at this time.

Fulgent Genetics
Classification: Uncertain significance for Pfeiffer syndrome; Jackson-Weiss syndrome; Hypogonadotropic hypogonadism 2 with or without anosmia; Osteoglophonic dysplasia; Trigonocephaly 1; Encephalocraniocutaneous lipomatosis; Hartsfield-Bixler-Demyer syndrome. Last evaluated: 2021-10-29. Review status: criteria provided, single submitter. Criteria: ACMG Guidelines, 2015. Collection method: clinical testing. Allele origin: unknown.

Literature cited by the submitters: PubMed 36531499 (cited by Labcorp Genetics (formerly Invitae), Labcorp).

NM_023110.3(FGFR1):c.584A>G (p.Lys195Arg)

Gene: FGFR1 (fibroblast growth factor receptor 1; minus strand). Cytogenetic location: 8p11.23.
Variant type: single nucleotide variant.
Coding change: c.584A>G on transcript NM_023110.3 (MANE Select); coding-DNA position 584, A replaced by G.
Protein change: p.Lys195Arg; replaces lysine 195 with arginine.
Molecular consequence: missense variant.
Genome position (GRCh38, 1-based): chr8:38,427,958, T>C on the plus strand (A>G on the coding strand, the complement: FGFR1 is on the minus strand). VCF-style: chr8-38427958-T-C. GRCh37 (hg19) VCF-style: chr8-38285476-T-C.
Other names: c.311A>G, p.Lys104Arg (NM_023106.3, NM_001354368.2, NM_001354370.2); c.584A>G, p.Lys195Arg (NM_001174063.2); c.560A>G, p.Lys187Arg (NM_001174064.2); c.578A>G, p.Lys193Arg (NM_001174065.2, NM_001354367.2, NM_001354369.2 and 1 more transcripts); c.317A>G, p.Lys106Arg (NM_001174066.2, NM_023105.3); c.677A>G, p.Lys226Arg (NM_001174067.2); short protein forms K195R, K104R, K106R, K187R, K193R, K226R.
Identifiers: ClinVar variation 1044770 (VCV001044770.7), dbSNP rs770139002, ClinGen allele CA4718706.
Genomic context (GRCh38, chr8:38,427,958, plus strand): 5'-CTTTCGCATGCACACACACGTACCTTGTAGCCTCCAATTCTGTGGTCAGGTTTGAATTCT[T>C]TGCCATTTTTCAACCAGCGCAGTGTGGGGTTTGGGGTCCCACTGGAAGGGCATTTGAACT-3'
Protein context (NP_075598.2, residues 185-205): NPTLRWLKNG[Lys195Arg]EFKPDHRIGG